The following is an entry in ClinVar:

NM_001103.4(ACTN2):c.427A>G (p.Ile143Val)

Gene: ACTN2 (actinin alpha 2; plus strand). Cytogenetic location: 1q43.
Variant type: single nucleotide variant.
Coding change: c.427A>G on transcript NM_001103.4 (MANE Select); coding-DNA position 427, A replaced by G.
Protein change: p.Ile143Val; replaces isoleucine 143 with valine.
Molecular consequence: missense variant. On other transcripts: 5 prime UTR variant (1).
Genome position (GRCh38, 1-based): chr1:236,720,170, A>G. VCF-style: chr1-236720170-A-G. GRCh37 (hg19) VCF-style: chr1-236883470-A-G.
Other names: c.427A>G, p.Ile143Val (NM_001278343.2); c.-395A>G (NM_001278344.2); short protein forms I143V.
Identifiers: ClinVar variation 190996 (VCV000190996.8), dbSNP rs786205453, ClinGen allele CA235782.

ClinVar aggregate classification (germline): Uncertain significance. Review status: criteria provided, multiple submitters, no conflicts (2 of 4 stars). 3 submissions from 3 submitters: Uncertain significance (3). Last evaluated 2025-12-14.

Conditions:
Primary familial hypertrophic cardiomyopathy (HCM). Identifiers: Orphanet 99739, MedGen C0949658, MeSH D024741, MONDO:0024573. Inheritance: Various modes of inheritance.
Dilated cardiomyopathy 1AA (CMD1AA). Also called: Cardiomyopathy, dilated, 1AA, with or without LVNC; CARDIOMYOPATHY, DILATED, 1AA, WITH OR WITHOUT LEFT VENTRICULAR NONCOMPACTION; CARDIOMYOPATHY, FAMILIAL HYPERTROPHIC, 23, WITH OR WITHOUT LEFT VENTRICULAR NONCOMPACTION. Identifiers: Orphanet 154, MedGen C2677338, MONDO:0012808, OMIM 612158.

Submissions (3):

Labcorp Genetics (formerly Invitae), Labcorp
Classification: Uncertain significance for Primary familial hypertrophic cardiomyopathy; Dilated cardiomyopathy 1AA. Last evaluated: 2025-12-14. Review status: criteria provided, single submitter. Criteria: Invitae Variant Classification Sherloc (09022015). Collection method: clinical testing. Allele origin: germline.
Comment: This sequence change replaces isoleucine, which is neutral and non-polar, with valine, which is neutral and non-polar, at codon 143 of the ACTN2 protein (p.Ile143Val). This variant is not present in population databases (gnomAD no frequency). This variant has not been reported in the literature in individuals affected with ACTN2-related conditions. ClinVar contains an entry for this variant (Variation ID: 190996). Invitae Evidence Modeling of protein sequence and biophysical properties (such as structural, functional, and spatial information, amino acid conservation, physicochemical variation, residue mobility, and thermodynamic stability) has been performed for this missense variant. However, the output from this modeling did not meet the statistical confidence thresholds required to predict the impact of this variant on ACTN2 protein function. In summary, the available evidence is currently insufficient to determine the role of this variant in disease. Therefore, it has been classified as a Variant of Uncertain Significance.

GeneDx
Classification: Uncertain significance. Last evaluated: 2016-05-10. Review status: criteria provided, single submitter. Criteria: GeneDx Variant Classification (06012015). Collection method: clinical testing. Allele origin: germline. Affected: yes.
Comment: A variant of uncertain significance has been identified in the ACTN2 gene. The I143V variant has not been published as a pathogenic variant, nor has it been reported as a benign variant to our knowledge. The I143V variant was not observed in approximately 6,500 individuals of European and African American ancestry in the NHLBI Exome Sequencing Project, indicating it is not a common benign variant in these populations. This substitution occurs at a position that is conserved across species. Additionally, in silico analysis predicts this variant is probably damaging to the protein structure/function. However, the I143V variant is a conservative amino acid substitution, which is not likely to impact secondary protein structure as these residues share similar properties.Therefore, based on the currently available information, it is unclear whether this variant is pathogenic or rare benign.

Genomic Medicine Center of Excellence, King Faisal Specialist Hospital and Research Centre
Classification: Uncertain significance. Review status: criteria provided, single submitter. Criteria: ACMG Guidelines, 2015. Collection method: research. Allele origin: germline. Affected: yes.
Comment: Downgraded to VUS based on updated frequency in local population